The following is an entry in ClinVar:

NM_032119.4(ADGRV1):c.10015A>G (p.Ser3339Gly)

Gene: ADGRV1 (adhesion G protein-coupled receptor V1; plus strand). Cytogenetic location: 5q14.3.
Variant type: single nucleotide variant.
Coding change: c.10015A>G on transcript NM_032119.4 (MANE Select); coding-DNA position 10015, A replaced by G.
Protein change: p.Ser3339Gly; replaces serine 3339 with glycine.
Molecular consequence: missense variant. On other transcripts: non-coding transcript variant (1).
Genome position (GRCh38, 1-based): chr5:90,725,194, A>G. VCF-style: chr5-90725194-A-G. GRCh37 (hg19) VCF-style: chr5-90021011-A-G.
Other names: short protein forms S3339G.
Identifiers: ClinVar variation 2085537 (VCV002085537.1), dbSNP rs1751603933, ClinGen allele CA360403063.
Genomic context (GRCh38, chr5:90,725,194, plus strand): 5'-TTTTCTCCCTACTTTGTGATTACTCATGAAGAAAGAAATGAAGAAAAGCCTTCTCTTAAC[A>G]GTGTGTTTACATTCACATCTGGATTTAAATTATTCCTGGTAAAAACATTTTCATTTTTAA-3'
Protein context (NP_115495.3, residues 3329-3349): ERNEEKPSLN[Ser3339Gly]VFTFTSGFKL

ClinVar aggregate classification (germline): Uncertain significance (1 of 4 stars; one submission).

Submission:

Labcorp Genetics (formerly Invitae), Labcorp
Classification: Uncertain significance. Last evaluated: 2022-03-01. Review status: criteria provided, single submitter. Criteria: Invitae Variant Classification Sherloc (09022015). Collection method: clinical testing. Allele origin: germline.
Comment: This sequence change replaces serine, which is neutral and polar, with glycine, which is neutral and non-polar, at codon 3339 of the ADGRV1 protein (p.Ser3339Gly). This variant is not present in population databases (gnomAD no frequency). This variant has not been reported in the literature in individuals affected with ADGRV1-related conditions. Algorithms developed to predict the effect of missense changes on protein structure and function are either unavailable or do not agree on the potential impact of this missense change (SIFT: "Deleterious"; PolyPhen-2: "Benign"; Align-GVGD: "Class C0"). Algorithms developed to predict the effect of sequence changes on RNA splicing suggest that this variant may create or strengthen a splice site. In summary, the available evidence is currently insufficient to determine the role of this variant in disease. Therefore, it has been classified as a Variant of Uncertain Significance.